The following is an entry in ClinVar:

NM_080605.4(B3GALT6):c.529C>T (p.Arg177Cys)

Gene: B3GALT6 (beta-1,3-galactosyltransferase 6; plus strand). Cytogenetic location: 1p36.33.
Variant type: single nucleotide variant.
Coding change: c.529C>T on transcript NM_080605.4 (MANE Select); coding-DNA position 529, C replaced by T.
Protein change: p.Arg177Cys; replaces arginine 177 with cysteine.
Molecular consequence: missense variant.
Genome position (GRCh38, 1-based): chr1:1,232,807, C>T. VCF-style: chr1-1232807-C-T. GRCh37 (hg19) VCF-style: chr1-1168187-C-T.
Other names: p.Arg177Cys; c.529C>T (NM_080605.3); short protein forms R177C.
Identifiers: ClinVar variation 1035363 (VCV001035363.8), dbSNP rs1260565985, ClinGen allele CA337826367.
Genomic context (GRCh38, chr1:1,232,807, plus strand): 5'-GACGACTCCTTCGCGCGGCTGGACGCGCTGCTGGCCGAGCTGCGCGCCCGCGAGCCCGCG[C>T]GCCGCCGCCGCCTCTACTGGGGCTTCTTCTCGGGCCGCGGCCGCGTCAAGCCGGGGGGGC-3'
Protein context (NP_542172.2, residues 167-187): LAELRAREPA[Arg177Cys]RRRLYWGFFS

ClinVar aggregate classification (germline): Uncertain significance. Review status: criteria provided, multiple submitters, no conflicts (2 of 4 stars). 3 submissions from 3 submitters: Uncertain significance (3). Last evaluated 2025-04-21.

Conditions:
Spondyloepimetaphyseal dysplasia with joint laxity (SEMDJL). Identifiers: MedGen C0432243, MONDO:0019675.
Ehlers-Danlos syndrome, spondylodysplastic type, 2 (EDSSPD2). Also called: Ehlers-Danlos syndrome, progeroid type, 2. Identifiers: Orphanet 536467, Orphanet 75496, MedGen C3809210, MONDO:0014139, OMIM 615349.
Inborn genetic diseases. Identifiers: MedGen C0950123, MeSH D030342.

Allele frequency attached by ClinVar (database versions not stated): TOPMed 0.00001; gnomAD 0.00001.

Submissions (3):

Ambry Genetics
Classification: Uncertain significance for Inborn genetic diseases. Last evaluated: 2025-04-21. Review status: criteria provided, single submitter. Criteria: Ambry Variant Classification Scheme 2023. Collection method: clinical testing. Allele origin: germline.

Mayo Clinic Laboratories, Mayo Clinic
Classification: Uncertain significance. Last evaluated: 2023-08-16. Review status: criteria provided, single submitter. Criteria: ACMG Guidelines, 2015. Collection method: clinical testing. Allele origin: germline. Observed: 1 variant allele.
Comment: BP4

Labcorp Genetics (formerly Invitae), Labcorp
Classification: Uncertain significance for Ehlers-Danlos syndrome, spondylodysplastic type, 2; Spondyloepimetaphyseal dysplasia with joint laxity. Last evaluated: 2022-05-31. Review status: criteria provided, single submitter. Criteria: Invitae Variant Classification Sherloc (09022015). Collection method: clinical testing. Allele origin: germline.
Comment: This sequence change replaces arginine, which is basic and polar, with cysteine, which is neutral and slightly polar, at codon 177 of the B3GALT6 protein (p.Arg177Cys). This variant is present in population databases (no rsID available, gnomAD 0.007%). This variant has not been reported in the literature in individuals affected with B3GALT6-related conditions. ClinVar contains an entry for this variant (Variation ID: 1035363). Algorithms developed to predict the effect of missense changes on protein structure and function are either unavailable or do not agree on the potential impact of this missense change (SIFT: "Deleterious"; PolyPhen-2: "Possibly Damaging"; Align-GVGD: "Class C0"). In summary, the available evidence is currently insufficient to determine the role of this variant in disease. Therefore, it has been classified as a Variant of Uncertain Significance.